The following is an entry in ClinVar:

NM_001271.4(CHD2):c.3370C>T (p.Arg1124Trp)

Gene: CHD2 (chromodomain helicase DNA binding protein 2; plus strand). Cytogenetic location: 15q26.1.
Variant type: single nucleotide variant.
Coding change: c.3370C>T on transcript NM_001271.4 (MANE Select); coding-DNA position 3370, C replaced by T.
Protein change: p.Arg1124Trp; replaces arginine 1124 with tryptophan.
Molecular consequence: missense variant.
Genome position (GRCh38, 1-based): chr15:92,985,630, C>T. VCF-style: chr15-92985630-C-T. GRCh37 (hg19) VCF-style: chr15-93528860-C-T.
Other names: short protein forms R1124W.
Identifiers: ClinVar variation 1342826 (VCV001342826.5), dbSNP rs1454060267, ClinGen allele CA393895772.

ClinVar aggregate classification (germline): Uncertain significance. Review status: criteria provided, multiple submitters, no conflicts (2 of 4 stars). 2 submissions from 2 submitters: Uncertain significance (2). Last evaluated 2025-05-27.

Conditions:
Developmental and epileptic encephalopathy 94 (DEE94). Also called: CHD2-Related Neurodevelopmental Disorders; Epileptic encephalopathy, childhood-onset. Identifiers: Orphanet 1942, Orphanet 2382, MedGen C3809278, MONDO:0014150, OMIM 615369.

gnomAD v4.1: 2 of 1,613,444 alleles (0.00012%); highest among the groups gnomAD compares: Non-Finnish European, 0.00017%; no homozygotes.

Submissions (2):

Labcorp Genetics (formerly Invitae), Labcorp
Classification: Uncertain significance for Developmental and epileptic encephalopathy 94. Last evaluated: 2025-05-27. Review status: criteria provided, single submitter. Criteria: Invitae Variant Classification Sherloc (09022015). Collection method: clinical testing. Allele origin: germline.
Comment: This sequence change replaces arginine, which is basic and polar, with tryptophan, which is neutral and slightly polar, at codon 1124 of the CHD2 protein (p.Arg1124Trp). This variant is not present in population databases (gnomAD no frequency). This variant has not been reported in the literature in individuals affected with CHD2-related conditions. ClinVar contains an entry for this variant (Variation ID: 1342826). Invitae Evidence Modeling of protein sequence and biophysical properties (such as structural, functional, and spatial information, amino acid conservation, physicochemical variation, residue mobility, and thermodynamic stability) indicates that this missense variant is not expected to disrupt CHD2 protein function with a negative predictive value of 95%. In summary, the available evidence is currently insufficient to determine the role of this variant in disease. Therefore, it has been classified as a Variant of Uncertain Significance.

GeneDx
Classification: Uncertain significance. Last evaluated: 2021-08-26. Review status: criteria provided, single submitter. Criteria: GeneDx Variant Classification Process June 2021. Collection method: clinical testing. Allele origin: germline. Affected: yes.
Comment: In silico analysis supports that this missense variant has a deleterious effect on protein structure/function; Has not been previously published as pathogenic or benign to our knowledge